The following is an entry in ClinVar:

NM_004360.5(CDH1):c.873T>C (p.Asp291=)

Gene: CDH1 (cadherin 1; plus strand). Cytogenetic location: 16q22.1.
Variant type: single nucleotide variant.
Coding change: c.873T>C on transcript NM_004360.5 (MANE Select); coding-DNA position 873, T replaced by C.
Protein change: p.Asp291=; no amino-acid change (aspartic acid 291 retained).
Molecular consequence: synonymous variant. On other transcripts: 5 prime UTR variant (2).
Genome position (GRCh38, 1-based): chr16:68,811,724, T>C. VCF-style: chr16-68811724-T-C. GRCh37 (hg19) VCF-style: chr16-68845627-T-C.
Other names: c.873T>C (LRG_301t1); c.873T>C, p.Asp291= (NM_001317184.2); c.-743T>C (NM_001317185.2); c.-947T>C (NM_001317186.2).
Identifiers: ClinVar variation 185260 (VCV000185260.14), dbSNP rs786202039, ClinGen allele CA191475.

ClinVar aggregate classification (germline): Benign/Likely benign. Review status: criteria provided, multiple submitters, no conflicts (2 of 4 stars). 3 submissions from 3 submitters: Benign (1); Likely benign (2). Last evaluated 2024-09-16.

Conditions:
Hereditary cancer-predisposing syndrome. Also called: Tumor predisposition; Hereditary Cancer Syndrome; Hereditary neoplastic syndrome; Neoplastic Syndromes, Hereditary. Identifiers: Orphanet 140162, MedGen C0027672, MeSH D009386, MONDO:0015356.
Hereditary diffuse gastric adenocarcinoma (HDGC). Also called: DIFFUSE GASTRIC AND LOBULAR BREAST CANCER SYNDROME. Identifiers: Orphanet 26106, MedGen C1708349, MONDO:0007648, OMIM 137215.

Submissions (3):

Myriad Genetics, Inc.
Classification: Benign for Hereditary diffuse gastric adenocarcinoma. Last evaluated: 2024-09-16. Review status: criteria provided, single submitter. Criteria: Myriad Autosomal Dominant, Autosomal Recessive and X-Linked Classification Criteria (2023). Collection method: clinical testing. Allele origin: unknown.
Comment: This variant is considered benign. This variant is a silent/synonymous amino acid change and it is not expected to impact splicing.

Labcorp Genetics (formerly Invitae), Labcorp
Classification: Likely benign for Hereditary diffuse gastric adenocarcinoma. Last evaluated: 2017-06-01. Review status: criteria provided, single submitter. Criteria: Invitae Variant Classification Sherloc (09022015). Collection method: clinical testing. Allele origin: germline.

Ambry Genetics
Classification: Likely benign for Hereditary cancer-predisposing syndrome. Last evaluated: 2014-07-29. Review status: criteria provided, single submitter. Criteria: Ambry Variant Classification Scheme 2023. Collection method: clinical testing. Allele origin: germline.